The following is an entry in ClinVar:

ClinVar aggregate classification (germline): Uncertain significance (1 of 4 stars; one submission).

Conditions:
Fabry disease. Also called: ALPHA-GALACTOSIDASE A DEFICIENCY; ANDERSON-FABRY DISEASE; CERAMIDE TRIHEXOSIDASE DEFICIENCY; GLA DEFICIENCY; HEREDITARY DYSTOPIC LIPIDOSIS; Angiokeratoma corporis diffusum. Identifiers: Orphanet 324, MedGen C0002986, MONDO:0010526, OMIM 301500, HP:0001071. Disease mechanism: Fabry disease is due to inactivating mutations in the X-linked GLA gene resulting in deficiency of the enzyme Alpha Galactosidase-A., loss of function.

Submission:

Genomenon, Inc
Classification: Uncertain significance for Fabry disease. Last evaluated: 2026-09-08. Review status: criteria provided, single submitter. Criteria: Genomenon Sequence Variant Interpretation Standards - Updated. Collection method: curation. Allele origin: germline. Affected: yes.
Comment: GLA p.Cys12_Ala20delinsSer (c.35_58del) is an in-frame deletion-insertion variant resulting in the replacement of multiple amino acids, from Cysteine at codon 12 to Alanine at codon 20, with a single Serine. This variant has been observed in at least one proband with clinical features consistent with Fabry disease (PMID:35971858). It is absent or not present at a significant frequency in gnomAD. In conclusion, we classify GLA p.Cys12_Ala20delinsSer (c.35_58del) as a variant of uncertain significance.

Literature cited by the submitters: PubMed 35971858.

NM_000169.3(GLA):c.35_58del (p.Cys12_Ala20delinsSer)

Genes: GLA (galactosidase alpha; minus strand), RPL36A-HNRNPH2 (RPL36A-HNRNPH2 readthrough; plus strand). Cytogenetic location: Xq22.1.
Variant type: Deletion.
Coding change: c.35_58del on transcript NM_000169.3 (MANE Select); coding-DNA positions 35 to 58, 24 bases deleted (GCGCGCTTGCGCTTCGCTTCCTGG).
Protein change: p.Cys12_Ala20delinsSer.
Molecular consequence: inframe indel. On other transcripts: non-coding transcript variant (3), intron variant (2).
Genome position (GRCh38, 1-based): chrX:101,407,846-101,407,869, CCAGGAAGCGAAGCGCAAGCGCGC deleted on the plus strand (GCGCGCTTGCGCTTCGCTTCCTGG on the coding strand, the reverse complement: GLA is on the minus strand). VCF-style (leftmost placement, unchanged base first): chrX-101407845-GCCAGGAAGCGAAGCGCAAGCGCGC-G. GRCh37 (hg19) VCF-style: chrX-100662833-GCCAGGAAGCGAAGCGCAAGCGCGC-G.
Other names: c.35_58del, p.Cys12_Ala20delinsSer (NM_001406747.1, NM_001406748.1, NM_001406749.1); c.301-4090_301-4067del (NM_001199973.2); c.178-4090_178-4067del (NM_001199974.2).
Identifiers: ClinVar variation 4087209 (VCV004087209.2), dbSNP rs869312280.